The following is an entry in ClinVar:

NM_001458.5(FLNC):c.5411T>G (p.Met1804Arg)

Genes: FLNC (filamin C; plus strand), FLNC-AS1 (FLNC antisense RNA 1; minus strand). Cytogenetic location: 7q32.1.
Variant type: single nucleotide variant.
Coding change: c.5411T>G on transcript NM_001458.5 (MANE Select); coding-DNA position 5411, T replaced by G.
Protein change: p.Met1804Arg; replaces methionine 1804 with arginine.
Molecular consequence: missense variant.
Genome position (GRCh38, 1-based): chr7:128,850,815, T>G. VCF-style: chr7-128850815-T-G. GRCh37 (hg19) VCF-style: chr7-128490869-T-G.
Other names: c.5312T>G, p.Met1771Arg (NM_001127487.2); short protein forms M1804R, M1771R.
Identifiers: ClinVar variation 1747382 (VCV001747382.2), dbSNP rs2536654534, ClinGen allele CA369206593.
Genomic context (GRCh38, chr7:128,850,815, plus strand): 5'-TGCAGTGGGGGAAACCAGGGTCTCCACGTAACTGTGTCTGCCCTGCAGGAGAGGTGCGGA[T>G]GCCCTCGGGGAAGACGGCACGGCCCAACATCACCGACAACAAGGACGGCACCATCACGGT-3'
Protein context (NP_001449.3, residues 1794-1814): QKGELTGEVR[Met1804Arg]PSGKTARPNI

ClinVar aggregate classification (germline): Uncertain significance (1 of 4 stars; one submission).

Conditions:
Cardiovascular phenotype. Identifiers: MedGen CN230736.

Submission:

Ambry Genetics
Classification: Uncertain significance for Cardiovascular phenotype. Last evaluated: 2020-02-19. Review status: criteria provided, single submitter. Criteria: Ambry Variant Classification Scheme 2023. Collection method: clinical testing. Allele origin: germline.
Comment: The p.M1804R variant (also known as c.5411T>G), located in coding exon 33 of the FLNC gene, results from a T to G substitution at nucleotide position 5411. The methionine at codon 1804 is replaced by arginine, an amino acid with similar properties. This amino acid position is highly conserved in available vertebrate species. In addition, this alteration is predicted to be deleterious by in silico analysis. Since supporting evidence is limited at this time, the clinical significance of this alteration remains unclear.